The following is an entry in ClinVar:

ClinVar aggregate classification (germline): Likely benign (1 of 4 stars; one submission).

Allele frequency attached by ClinVar (database versions not stated): gnomAD 0.00003; ExAC 0.00005; gnomAD exomes 0.00005; TOPMed 0.00005.
gnomAD v4.1: 75 of 1,608,312 alleles (0.0047%); highest among the groups gnomAD compares: Non-Finnish European, 0.006%; no homozygotes.

Submission:

CeGaT Center for Human Genetics Tuebingen
Classification: Likely benign. Last evaluated: 2024-06-01. Review status: criteria provided, single submitter. Criteria: CeGaT Center For Human Genetics Tuebingen Variant Classification Criteria Version 2. Collection method: clinical testing. Allele origin: germline. Affected: yes. Observed: 1 variant allele.
Comment: TRAF7: BP4, BP7

NM_032271.3(TRAF7):c.687G>A (p.Arg229=)

Gene: TRAF7 (TNF receptor associated factor 7; plus strand). Cytogenetic location: 16p13.3.
Variant type: single nucleotide variant.
Coding change: c.687G>A on transcript NM_032271.3 (MANE Select); coding-DNA position 687, G replaced by A.
Protein change: p.Arg229=; no amino-acid change (arginine 229 retained).
Molecular consequence: synonymous variant.
Genome position (GRCh38, 1-based): chr16:2,172,492, G>A. VCF-style: chr16-2172492-G-A. GRCh37 (hg19) VCF-style: chr16-2222493-G-A.
Identifiers: ClinVar variation 3250816 (VCV003250816.18), dbSNP rs760492852.